The following is an entry in ClinVar:

NM_013372.7(GREM1):c.363G>C (p.Gln121His)

Gene: GREM1 (gremlin 1, DAN family BMP antagonist; plus strand). Cytogenetic location: 15q13.3.
Variant type: single nucleotide variant.
Coding change: c.363G>C on transcript NM_013372.7 (MANE Select); coding-DNA position 363, G replaced by C.
Protein change: p.Gln121His; replaces glutamine 121 with histidine.
Molecular consequence: missense variant.
Genome position (GRCh38, 1-based): chr15:32,731,053, G>C. VCF-style: chr15-32731053-G-C. GRCh37 (hg19) VCF-style: chr15-33023254-G-C.
Other names: c.153G>C, p.Gln51His (NM_001191322.2); c.240G>C, p.Gln80His (NM_001191323.2); c.363G>C, p.Gln121His (NM_001368719.1); short protein forms Q121H, Q80H, Q51H.
Identifiers: ClinVar variation 4032207 (VCV004032207.1).
Genomic context (GRCh38, chr15:32,731,053, plus strand): 5'-GACCATCCACGAGGAAGGCTGCAACAGTCGCACCATCATCAACCGCTTCTGTTACGGCCA[G>C]TGCAACTCTTTCTACATCCCCAGGCACATCCGGAAGGAGGAAGGTTCCTTTCAGTCCTGC-3'
Protein context (NP_037504.1, residues 111-131): RTIINRFCYG[Gln121His]CNSFYIPRHI

ClinVar aggregate classification (germline): Uncertain significance (1 of 4 stars; one submission).

Conditions:
Hereditary cancer-predisposing syndrome. Also called: Neoplastic Syndromes, Hereditary; Tumor predisposition; Hereditary neoplastic syndrome; Hereditary Cancer Syndrome. Identifiers: Orphanet 140162, MedGen C0027672, MeSH D009386, MONDO:0015356.

Submission:

Ambry Genetics
Classification: Uncertain significance for Hereditary cancer-predisposing syndrome. Last evaluated: 2025-05-10. Review status: criteria provided, single submitter. Criteria: Ambry Variant Classification Scheme 2023. Collection method: clinical testing. Allele origin: germline.
Comment: The p.Q121H variant (also known as c.363G>C), located in coding exon 1 of the GREM1 gene, results from a G to C substitution at nucleotide position 363. The glutamine at codon 121 is replaced by histidine, an amino acid with highly similar properties. This amino acid position is conserved. In addition, the in silico prediction for this alteration is inconclusive. Based on the available evidence, the clinical significance of this variant remains unclear.